The following is an entry in ClinVar:

NM_001160372.4(TRAPPC9):c.2657C>T (p.Pro886Leu)

Gene: TRAPPC9 (trafficking protein particle complex subunit 9; minus strand). Cytogenetic location: 8q24.3.
Variant type: single nucleotide variant.
Coding change: c.2657C>T on transcript NM_001160372.4 (MANE Select); coding-DNA position 2657, C replaced by T.
Protein change: p.Pro886Leu; replaces proline 886 with leucine.
Molecular consequence: missense variant. On other transcripts: non-coding transcript variant (1).
Genome position (GRCh38, 1-based): chr8:140,023,979, G>A on the plus strand (C>T on the coding strand, the complement: TRAPPC9 is on the minus strand). VCF-style: chr8-140023979-G-A. GRCh37 (hg19) VCF-style: chr8-141034076-G-A.
Other names: c.2630C>T, p.Pro877Leu (NM_001321646.2); c.2678C>T, p.Pro893Leu (NM_001374682.1); c.2657C>T, p.Pro886Leu (NM_001374683.1, NM_031466.8); c.2513C>T, p.Pro838Leu (NM_001374684.1); c.2951C>T (NM_031466.5); short protein forms P877L, P838L, P886L, P893L.
Identifiers: ClinVar variation 2174358 (VCV002174358.5), dbSNP rs752774559, ClinGen allele CA4893012.

ClinVar aggregate classification (germline): Uncertain significance. Review status: criteria provided, multiple submitters, no conflicts (2 of 4 stars). 2 submissions from 2 submitters: Uncertain significance (2). Last evaluated 2025-10-21.

Conditions:
Inborn genetic diseases. Identifiers: MedGen C0950123, MeSH D030342.

Allele frequency attached by ClinVar (database versions not stated): gnomAD exomes below 0.00001; gnomAD 0.00001; TOPMed 0.00001; ExAC 0.00002.
gnomAD v4.1: 4 of 1,613,902 alleles (0.00025%); highest among the groups gnomAD compares: Admixed American, 0.0017%; no homozygotes.

Submissions (2):

Ambry Genetics
Classification: Uncertain significance for Inborn genetic diseases. Last evaluated: 2025-10-21. Review status: criteria provided, single submitter. Criteria: Ambry Variant Classification Scheme 2023. Collection method: clinical testing. Allele origin: germline.

Labcorp Genetics (formerly Invitae), Labcorp
Classification: Uncertain significance. Last evaluated: 2022-11-01. Review status: criteria provided, single submitter. Criteria: Invitae Variant Classification Sherloc (09022015). Collection method: clinical testing. Allele origin: germline.
Comment: In summary, the available evidence is currently insufficient to determine the role of this variant in disease. Therefore, it has been classified as a Variant of Uncertain Significance. Algorithms developed to predict the effect of missense changes on protein structure and function are either unavailable or do not agree on the potential impact of this missense change (SIFT: "Not Available"; PolyPhen-2: "Probably Damaging"; Align-GVGD: "Not Available"). This variant has not been reported in the literature in individuals affected with TRAPPC9-related conditions. This variant is present in population databases (rs752774559, gnomAD 0.01%). This sequence change replaces proline, which is neutral and non-polar, with leucine, which is neutral and non-polar, at codon 984 of the TRAPPC9 protein (p.Pro984Leu).